The following is an entry in ClinVar:

ClinVar aggregate classification (germline): Uncertain significance (1 of 4 stars; one submission).

Conditions:
Developmental and epileptic encephalopathy, 36 (DEE36). Also called: Congenital disorder of glycosylation, type Is; Epileptic encephalopathy, early infantile, 36; ALG13-CDG. Identifiers: Orphanet 324422, MedGen C4317295, MONDO:0010472, OMIM 300884.

Submission:

Labcorp Genetics (formerly Invitae), Labcorp
Classification: Uncertain significance for Developmental and epileptic encephalopathy, 36. Last evaluated: 2022-03-23. Review status: criteria provided, single submitter. Criteria: Invitae Variant Classification Sherloc (09022015). Collection method: clinical testing. Allele origin: germline.
Comment: This variant, c.2006_2008del, results in the deletion of 1 amino acid(s) of the ALG13 protein (p.Asn669del), but otherwise preserves the integrity of the reading frame. This variant is not present in population databases (gnomAD no frequency). This variant has not been reported in the literature in individuals affected with ALG13-related conditions. ClinVar contains an entry for this variant (Variation ID: 933704). Experimental studies and prediction algorithms are not available or were not evaluated, and the functional significance of this variant is currently unknown. In summary, the available evidence is currently insufficient to determine the role of this variant in disease. Therefore, it has been classified as a Variant of Uncertain Significance.

NM_001099922.3(ALG13):c.2003ACA[1] (p.Asn669del)

Gene: ALG13 (ALG13 UDP-N-acetylglucosaminyltransferase subunit; plus strand). Cytogenetic location: Xq23.
Variant type: Microsatellite.
Coding change: c.2003ACA[1] on transcript NM_001099922.3 (MANE Select); one copy of the 3-base unit ACA starting at c.2003; the reference has two copies in a row; one copy, 3 bases deleted.
Protein change: p.Asn669del; deletes asparagine 669.
Molecular consequence: inframe deletion. On other transcripts: non-coding transcript variant (1).
Genome position (GRCh38, 1-based): chrX:111,727,361-111,727,363, ACA deleted; deleting any 3 consecutive bases within chrX:111,727,358-111,727,363 gives the same sequence; the position shown is the placement nearest the transcript's 3' end. VCF-style (leftmost placement, unchanged base first): chrX-111727357-CACA-C. GRCh37 (hg19) VCF-style: chrX-110970585-CACA-C.
Other names: c.1691ACA[1], p.Asn565del (NM_001257230.2, NM_001257234.2, NM_001257237.2); c.1769ACA[1], p.Asn591del (NM_001257231.2); c.2003ACA[1], p.Asn669del (NM_001324292.2); c.1517ACA[1], p.Asn507del (NM_001324293.1); short protein forms N565del, N669del, N507del, N591del.
Identifiers: ClinVar variation 933704 (VCV000933704.5), dbSNP rs1489100083, ClinGen allele CA870042599.